The following is an entry in ClinVar:

NM_001754.5(RUNX1):c.351+4C>A

Gene: RUNX1 (RUNX family transcription factor 1; minus strand). Cytogenetic location: 21q22.12.
Variant type: single nucleotide variant.
Coding change: c.351+4C>A on transcript NM_001754.5 (MANE Select); 4 bases into the intron after coding-DNA position 351, C replaced by A.
Molecular consequence: intron variant.
Genome position (GRCh38, 1-based): chr21:34,886,839, G>T on the plus strand (C>A on the coding strand, the complement: RUNX1 is on the minus strand). VCF-style: chr21-34886839-G-T. GRCh37 (hg19) VCF-style: chr21-36259136-G-T.
Other names: c.270+4C>A (NM_001001890.3, NM_001122607.2).
Identifiers: ClinVar variation 3948836 (VCV003948836.1).

ClinVar aggregate classification (germline): Uncertain significance (1 of 4 stars; one submission).

Conditions:
Inborn genetic diseases. Identifiers: MedGen C0950123, MeSH D030342.

gnomAD v4.1: 2 of 1,612,920 alleles (0.00012%); highest among the groups gnomAD compares: African/African-American, 0.0027%; no homozygotes.

Submission:

Ambry Genetics
Classification: Uncertain significance for Inborn genetic diseases. Last evaluated: 2025-03-24. Review status: criteria provided, single submitter. Criteria: Ambry Variant Classification Scheme 2023. Collection method: clinical testing. Allele origin: germline.
Comment: The c.351+4C>A intronic variant results from a C to A substitution 4 nucleotides after coding exon 3 in the RUNX1 gene. This nucleotide position is well conserved in available vertebrate species. In silico splice site analysis predicts that this alteration will not have any significant effect on splicing. Based on the available evidence, the clinical significance of this variant remains unclear.